The following is an entry in ClinVar:

ClinVar aggregate classification (germline): Uncertain significance. Review status: criteria provided, single submitter (1 of 4 stars). 2 submissions from 2 submitters: Uncertain significance (1). 1 of the submissions does not count toward it. Last evaluated 2022-07-11.

Conditions:
Emery-Dreifuss muscular dystrophy 4, autosomal dominant (EDMD4). Also called: EMERY-DREIFUSS MUSCULAR DYSTROPHY 4 WITH VARIABLE FEATURES. Identifiers: Orphanet 261, MedGen C2751807, MONDO:0013071, OMIM 612998.
Autosomal recessive ataxia, Beauce type. Also called: SYNE1-Related Autosomal Recessive Cerebellar Ataxia; Spinocerebellar ataxia, autosomal recessive 8; ATAXIA, RECESSIVE, OF BEAUCE; SYNE1 Deficiency. Identifiers: Orphanet 88644, MedGen C1853116, MONDO:0012549, OMIM 610743.

Allele frequency attached by ClinVar (database versions not stated): gnomAD exomes below 0.00001; TOPMed 0.00001.
gnomAD v4.1: 8 of 1,614,172 alleles (0.0005%); highest among the groups gnomAD compares: East Asian, 0.0022%; no homozygotes.

Submissions (2):

Labcorp Genetics (formerly Invitae), Labcorp
Classification: Uncertain significance for Emery-Dreifuss muscular dystrophy 4, autosomal dominant; Autosomal recessive ataxia, Beauce type. Last evaluated: 2022-07-11. Review status: criteria provided, single submitter. Criteria: Invitae Variant Classification Sherloc (09022015). Collection method: clinical testing. Allele origin: germline.
Comment: This sequence change replaces arginine, which is basic and polar, with histidine, which is basic and polar, at codon 8024 of the SYNE1 protein (p.Arg8024His). In summary, the available evidence is currently insufficient to determine the role of this variant in disease. Therefore, it has been classified as a Variant of Uncertain Significance. Algorithms developed to predict the effect of missense changes on protein structure and function are either unavailable or do not agree on the potential impact of this missense change (SIFT: "Deleterious"; PolyPhen-2: "Probably Damaging"; Align-GVGD: "Class C0"). ClinVar contains an entry for this variant (Variation ID: 2332). This variant is also known as c.966G>A (p.R257H). This missense change has been observed in individual(s) with autosomal dominant Emery-Dreifuss muscular dystrophy (PMID: 17761684). This variant is present in population databases (rs119103246, gnomAD 0.0009%).

OMIM
Classification: Pathogenic for EMERY-DREIFUSS MUSCULAR DYSTROPHY 4 WITH VARIABLE FEATURES. Last evaluated: 2007-12-01. Review status: no assertion criteria provided. Collection method: literature only. Allele origin: germline. Not counted in ClinVar's aggregate classification.

Literature cited by the submitters: PubMed 17761684 (cited by Labcorp Genetics (formerly Invitae), Labcorp and OMIM).

NM_182961.4(SYNE1):c.24284G>A (p.Arg8095His)

Gene: SYNE1 (spectrin repeat containing nuclear envelope protein 1; minus strand). Cytogenetic location: 6q25.2.
Variant type: single nucleotide variant.
Coding change: c.24284G>A on transcript NM_182961.4 (MANE Select); coding-DNA position 24284, G replaced by A.
Protein change: p.Arg8095His; replaces arginine 8095 with histidine.
Molecular consequence: missense variant.
Genome position (GRCh38, 1-based): chr6:152,151,987, C>T on the plus strand (G>A on the coding strand, the complement: SYNE1 is on the minus strand). VCF-style: chr6-152151987-C-T. GRCh37 (hg19) VCF-style: chr6-152473122-C-T.
Other names: R257H; c.890G>A, p.Arg297His (NM_001347701.2); c.749G>A, p.Arg250His (NM_001347702.2); c.24071G>A, p.Arg8024His (NM_033071.5); short protein forms R8024H, R8095H, R297H, R250H.
Identifiers: ClinVar variation 2332 (VCV000002332.7), dbSNP rs119103246, ClinGen allele CA115484.